The following is an entry in ClinVar:

NM_152617.4(RNF168):c.383C>T (p.Ala128Val)

Gene: RNF168 (ring finger protein 168; minus strand). Cytogenetic location: 3q29.
Variant type: single nucleotide variant.
Coding change: c.383C>T on transcript NM_152617.4 (MANE Select); coding-DNA position 383, C replaced by T.
Protein change: p.Ala128Val; replaces alanine 128 with valine.
Molecular consequence: missense variant.
Genome position (GRCh38, 1-based): chr3:196,487,574, G>A on the plus strand (C>T on the coding strand, the complement: RNF168 is on the minus strand). VCF-style: chr3-196487574-G-A. GRCh37 (hg19) VCF-style: chr3-196214445-G-A.
Other names: short protein forms A128V.
Identifiers: ClinVar variation 284162 (VCV000284162.13), dbSNP rs143373143, ClinGen allele CA2780945.
Genomic context (GRCh38, chr3:196,487,574, plus strand): 5'-CTCTGTATGTATTCTTCACTGGCTTTGTTTTCTTCTTCCTCGCTGGCCCGTCGCTCTGCC[G>A]CCACCTTAAAAGTGATTAATAAAGAGCAATCCTTCTCTGAACGTTTTGGTATACTTGCAA-3'
Protein context (NP_689830.2, residues 118-138): REYEEEISKV[Ala128Val]AERRASEEEE

ClinVar aggregate classification (germline): Likely benign. Review status: criteria provided, multiple submitters, no conflicts (2 of 4 stars). 3 submissions from 3 submitters: Likely benign (3). Last evaluated 2026-09-23.

Conditions:
RNF168-related disorder. Also called: RNF168-related condition.

Allele frequency attached by ClinVar (database versions not stated): gnomAD exomes 0.00021 and 0.00038; ExAC 0.00045; gnomAD 0.00157 and 0.00170; ESP Exome Variant Server 0.00215; 1000 Genomes Project 30x 0.00250; 1000 Genomes Project 0.00180; TOPMed 0.00207.
gnomAD v4.1: 540 of 1,613,758 alleles (0.033%); highest among the groups gnomAD compares: African/African-American, 0.59%; 1 homozygote.

Submissions (3):

PreventionGenetics, part of Exact Sciences
Classification: Likely benign for RNF168-related condition. Last evaluated: 2026-09-23. Review status: criteria provided, single submitter. Criteria: ACMG Guidelines, 2015. Collection method: clinical testing. Allele origin: germline.
Comment: This variant is classified as likely benign based on ACMG/AMP sequence variant interpretation guidelines (Richards et al. 2015 PMID: 25741868, with internal and published modifications).

Labcorp Genetics (formerly Invitae), Labcorp
Classification: Likely benign. Last evaluated: 2026-02-02. Review status: criteria provided, single submitter. Criteria: Invitae Variant Classification Sherloc (09022015). Collection method: clinical testing. Allele origin: germline.

Eurofins Ntd Llc (ga)
Classification: Likely benign. Last evaluated: 2015-10-23. Review status: criteria provided, single submitter. Criteria: EGL Classification Definitions 2015. Collection method: clinical testing. Allele origin: germline. Observed: 3 variant alleles, 3 heterozygotes.